The following is an entry in ClinVar:

ClinVar aggregate classification (germline): Pathogenic. Review status: criteria provided, multiple submitters, no conflicts (2 of 4 stars). 2 submissions from 2 submitters: Pathogenic (2). Last evaluated 2024-01-29.

Conditions:
Congenital diarrhea 7 with exudative enteropathy. Also called: Diarrhea 7. Identifiers: Orphanet 329242, MedGen C4014516, MONDO:0014375, OMIM 615863.

Submissions (2):

Labcorp Genetics (formerly Invitae), Labcorp
Classification: Pathogenic. Last evaluated: 2024-01-29. Review status: criteria provided, single submitter. Criteria: Invitae Variant Classification Sherloc (09022015). Collection method: clinical testing. Allele origin: germline.
Comment: This sequence change creates a premature translational stop signal (p.Gly2Alafs*65) in the DGAT1 gene. It is expected to result in an absent or disrupted protein product. Loss-of-function variants in DGAT1 are known to be pathogenic (PMID: 29604290). This variant is not present in population databases (gnomAD no frequency). This variant has not been reported in the literature in individuals affected with DGAT1-related conditions. ClinVar contains an entry for this variant (Variation ID: 816919). For these reasons, this variant has been classified as Pathogenic.

Genomic Medicine Lab, University of California San Francisco
Classification: Pathogenic for Congenital diarrhea 7 with exudative enteropathy. Last evaluated: 2018-11-01. Review status: criteria provided, single submitter. Criteria: ACMG Guidelines, 2015. Collection method: clinical testing. Allele origin: maternal. Inheritance: Autosomal recessive inheritance. Affected: yes. Study: CSER.

Literature cited by the submitters: PubMed 29604290 (cited by Labcorp Genetics (formerly Invitae), Labcorp).

NM_012079.6(DGAT1):c.5del (p.Gly2fs)

Genes: DGAT1 (diacylglycerol O-acyltransferase 1; minus strand), LOC130001386 (ATAC-STARR-seq lymphoblastoid silent region 19673; plus strand). Cytogenetic location: 8q24.3.
Variant type: Deletion.
Coding change: c.5del on transcript NM_012079.6 (MANE Select); coding-DNA position 5, one base deleted (G; older notation c.5delG).
Protein change: p.Gly2fs; shifts the reading frame from glycine 2.
Molecular consequence: frameshift variant, initiator codon variant.
Genome position (GRCh38, 1-based): chr8:144,326,632, C deleted on the plus strand (G on the coding strand, the reverse complement: DGAT1 is on the minus strand); the first of 3 consecutive C bases (chr8:144,326,632-144,326,634); deleting any one gives the same sequence. VCF-style (leftmost placement, unchanged base first): chr8-144326631-GC-G. GRCh37 (hg19) VCF-style: chr8-145550294-GC-G.
Other names: short protein forms G2fs.
Identifiers: ClinVar variation 816919 (VCV000816919.6), dbSNP rs1588689245, ClinGen allele CA915947418.